The following is an entry in ClinVar:

NM_153605.4(CRYBG3):c.4467T>C (p.Pro1489=)

Gene: CRYBG3 (crystallin beta-gamma domain containing 3; plus strand). Cytogenetic location: 3q11.2.
Variant type: single nucleotide variant.
Coding change: c.4467T>C on transcript NM_153605.4 (MANE Select); coding-DNA position 4467, T replaced by C.
Protein change: p.Pro1489=; no amino-acid change (proline 1489 retained).
Molecular consequence: synonymous variant.
Genome position (GRCh38, 1-based): chr3:97,875,661, T>C. VCF-style: chr3-97875661-T-C. GRCh37 (hg19) VCF-style: chr3-97594505-T-C.
Identifiers: ClinVar variation 2653994 (VCV002653994.24), dbSNP rs770483732, ClinGen allele CA545014972.

ClinVar aggregate classification (germline): Likely benign (1 of 4 stars; one submission).

Allele frequency attached by ClinVar (database versions not stated): gnomAD 0.00003.

Submission:

CeGaT Center for Human Genetics Tuebingen
Classification: Likely benign. Last evaluated: 2022-07-01. Review status: criteria provided, single submitter. Criteria: CeGaT Center For Human Genetics Tuebingen Variant Classification Criteria Version 2. Collection method: clinical testing. Allele origin: germline. Affected: yes. Observed: 1 variant allele.
Comment: CRYBG3: BP4, BP7